The following is an entry in ClinVar:

ClinVar aggregate classification (germline): Conflicting classifications of pathogenicity. Review status: criteria provided, conflicting classifications (1 of 4 stars). 3 submissions from 3 submitters: Uncertain significance (2); Likely benign (1). Last evaluated 2025-12-28.

Conditions:
Hereditary cancer-predisposing syndrome. Also called: Neoplastic Syndromes, Hereditary; Tumor predisposition; Hereditary neoplastic syndrome; Hereditary Cancer Syndrome. Identifiers: Orphanet 140162, MedGen C0027672, MeSH D009386, MONDO:0015356.
Familial adenomatous polyposis 1 (FAP1). Also called: POLYPOSIS, ADENOMATOUS INTESTINAL; FAMILIAL ADENOMATOUS POLYPOSIS 1, ATTENUATED. Identifiers: MedGen C2713442, MONDO:0021056, OMIM 175100. Disease mechanism: loss of function.

Allele frequency attached by ClinVar (database versions not stated): ExAC 0.00001; gnomAD exomes 0.00002.
gnomAD v4.1: 12 of 1,614,190 alleles (0.00074%); highest among the groups gnomAD compares: South Asian, 0.0099%; 1 homozygote.

Submissions (3):

Labcorp Genetics (formerly Invitae), Labcorp
Classification: Uncertain significance for Familial adenomatous polyposis 1. Last evaluated: 2025-12-28. Review status: criteria provided, single submitter. Criteria: Invitae Variant Classification Sherloc (09022015). Collection method: clinical testing. Allele origin: germline.
Comment: This sequence change replaces alanine, which is neutral and non-polar, with proline, which is neutral and non-polar, at codon 1316 of the APC protein (p.Ala1316Pro). This variant is present in population databases (rs761621587, gnomAD 0.02%). This variant has not been reported in the literature in individuals affected with APC-related conditions. ClinVar contains an entry for this variant (Variation ID: 824410). Invitae Evidence Modeling of protein sequence and biophysical properties (such as structural, functional, and spatial information, amino acid conservation, physicochemical variation, residue mobility, and thermodynamic stability) indicates that this missense variant is not expected to disrupt APC protein function with a negative predictive value of 95%. In summary, the available evidence is currently insufficient to determine the role of this variant in disease. Therefore, it has been classified as a Variant of Uncertain Significance.

Ambry Genetics
Classification: Likely benign for Hereditary cancer-predisposing syndrome. Last evaluated: 2024-03-27. Review status: criteria provided, single submitter. Criteria: Ambry Variant Classification Scheme 2023. Collection method: clinical testing. Allele origin: germline.

Color Diagnostics, LLC DBA Color Health
Classification: Uncertain significance for Hereditary cancer-predisposing syndrome. Last evaluated: 2023-12-05. Review status: criteria provided, single submitter. Criteria: ACMG Guidelines, 2015. Collection method: clinical testing. Allele origin: germline.
Comment: This missense variant replaces alanine with proline at codon 1316 of the APC protein. Computational prediction suggests that this variant may not impact protein structure and function (internally defined REVEL score threshold <= 0.5, PMID: 27666373). To our knowledge, functional studies have not been reported for this variant. This variant has not been reported in individuals affected with APC-related disorders in the literature. This variant has been identified in 5/251164 chromosomes in the general population by the Genome Aggregation Database (gnomAD). The available evidence is insufficient to determine the role of this variant in disease conclusively. Therefore, this variant is classified as a Variant of Uncertain Significance.

NM_000038.6(APC):c.3946G>C (p.Ala1316Pro)

Gene: APC (APC regulator of Wnt signaling pathway; plus strand). Cytogenetic location: 5q22.2.
Variant type: single nucleotide variant.
Coding change: c.3946G>C on transcript NM_000038.6 (MANE Select); coding-DNA position 3946, G replaced by C.
Protein change: p.Ala1316Pro; replaces alanine 1316 with proline.
Molecular consequence: missense variant.
Genome position (GRCh38, 1-based): chr5:112,839,540, G>C. VCF-style: chr5-112839540-G-C. GRCh37 (hg19) VCF-style: chr5-112175237-G-C.
Other names: c.3466G>C, p.Ala1156Pro (NM_001354905.2); c.3097G>C, p.Ala1033Pro (NM_001354906.2); c.3946G>C, p.Ala1316Pro (NM_001127510.3, NM_001354895.2); c.3892G>C, p.Ala1298Pro (NM_001127511.3); c.4000G>C, p.Ala1334Pro (NM_001354896.2); c.3976G>C, p.Ala1326Pro (NM_001354897.2); c.3871G>C, p.Ala1291Pro (NM_001354898.2); c.3862G>C, p.Ala1288Pro (NM_001354899.2); and 5 more; short protein forms A1288P, A1298P, A1334P, A1033P, A1156P, A1215P, A1225P, A1257P.
Identifiers: ClinVar variation 824410 (VCV000824410.17), dbSNP rs761621587, ClinGen allele CA037131.